The following is an entry in ClinVar:

ClinVar aggregate classification (germline): Uncertain significance (1 of 4 stars; one submission).

Submission:

Greenwood Genetic Center Diagnostic Laboratories, Greenwood Genetic Center
Classification: Uncertain significance. Last evaluated: 2023-01-25. Review status: criteria provided, single submitter. Criteria: ACMG Guidelines, 2015. Collection method: clinical testing. Allele origin: germline. Affected: yes.
Comment: PM (don't use PS2)

NM_000240.3(MAOA):c.-566C>T

Gene: MAOA (monoamine oxidase A; plus strand). Cytogenetic location: Xp11.3.
Variant type: single nucleotide variant.
Coding change: c.-566C>T on transcript NM_000240.3; 566 bases upstream of the start codon, C replaced by T.
Molecular consequence: 5 prime UTR variant (on NM_001270458.2).
Genome position (GRCh38, 1-based): chrX:43,655,776, C>T. VCF-style: chrX-43655776-C-T. GRCh37 (hg19) VCF-style: chrX-43515024-C-T.
Other names: c.-1073C>T (NM_001270458.2).
Identifiers: ClinVar variation 2505241 (VCV002505241.1), dbSNP rs2519102839, ClinGen allele CA2580617037.